The following is an entry in ClinVar:

ClinVar aggregate classification (germline): Uncertain significance. Review status: criteria provided, multiple submitters, no conflicts (2 of 4 stars). 4 submissions from 4 submitters: Uncertain significance (4). Last evaluated 2026-09-01.

Conditions:
Cardiovascular phenotype. Identifiers: MedGen CN230736.

Allele frequency attached by ClinVar (database versions not stated): gnomAD exomes 0.00003 and 0.00004; TOPMed 0.00006; gnomAD 0.00008 and 0.00009.
gnomAD v4.1: 72 of 1,598,694 alleles (0.0045%); highest among the groups gnomAD compares: Non-Finnish European, 0.006%; no homozygotes.

Submissions (4):

CeGaT Center for Human Genetics Tuebingen
Classification: Uncertain significance. Last evaluated: 2026-09-01. Review status: criteria provided, single submitter. Criteria: CeGaT Center For Human Genetics Tuebingen Variant Classification Criteria Version 2. Collection method: clinical testing. Allele origin: germline. Affected: yes. Observed: 1 variant allele.

Labcorp Genetics (formerly Invitae), Labcorp
Classification: Uncertain significance. Last evaluated: 2026-01-09. Review status: criteria provided, single submitter. Criteria: Invitae Variant Classification Sherloc (09022015). Collection method: clinical testing. Allele origin: germline.
Comment: This sequence change replaces threonine, which is neutral and polar, with alanine, which is neutral and non-polar, at codon 99 of the LOX protein (p.Thr99Ala). This variant is present in population databases (rs759712410, gnomAD 0.008%). This variant has not been reported in the literature in individuals affected with LOX-related conditions. ClinVar contains an entry for this variant (Variation ID: 1430626). Invitae Evidence Modeling of protein sequence and biophysical properties (such as structural, functional, and spatial information, amino acid conservation, physicochemical variation, residue mobility, and thermodynamic stability) indicates that this missense variant is not expected to disrupt LOX protein function with a negative predictive value of 95%. In summary, the available evidence is currently insufficient to determine the role of this variant in disease. Therefore, it has been classified as a Variant of Uncertain Significance.

Ambry Genetics
Classification: Uncertain significance for Cardiovascular phenotype. Last evaluated: 2025-08-03. Review status: criteria provided, single submitter. Criteria: Ambry Variant Classification Scheme 2023. Collection method: clinical testing. Allele origin: germline.
Comment: The p.T99A variant (also known as c.295A>G), located in coding exon 1 of the LOX gene, results from an A to G substitution at nucleotide position 295. The threonine at codon 99 is replaced by alanine, an amino acid with similar properties. This amino acid position is not well conserved in available vertebrate species. In addition, this alteration is predicted to be tolerated by in silico analysis. Since supporting evidence is limited at this time, the clinical significance of this alteration remains unclear.

GeneDx
Classification: Uncertain significance. Last evaluated: 2024-07-09. Review status: criteria provided, single submitter. Criteria: GeneDx Variant Classification Process June 2021. Collection method: clinical testing. Allele origin: germline.
Comment: Has not been previously published as pathogenic or benign to our knowledge; In silico analysis indicates that this missense variant does not alter protein structure/function

NM_002317.7(LOX):c.295A>G (p.Thr99Ala)

Genes: LOX (lysyl oxidase; minus strand), SRFBP1 (serum response factor binding protein 1; plus strand). Cytogenetic location: 5q23.1.
Variant type: single nucleotide variant.
Coding change: c.295A>G on transcript NM_002317.7 (MANE Select); coding-DNA position 295, A replaced by G.
Protein change: p.Thr99Ala; replaces threonine 99 with alanine.
Molecular consequence: missense variant.
Genome position (GRCh38, 1-based): chr5:122,077,691, T>C on the plus strand (A>G on the coding strand, the complement: LOX is on the minus strand). VCF-style: chr5-122077691-T-C. GRCh37 (hg19) VCF-style: chr5-121413386-T-C.
Other names: c.295A>G (NM_002317.6, NM_002317.5); short protein forms T99A.
Identifiers: ClinVar variation 1430626 (VCV001430626.9), dbSNP rs759712410, ClinGen allele CA125917394.